The following is an entry in ClinVar:

ClinVar aggregate classification (germline): Uncertain significance. Review status: criteria provided, multiple submitters, no conflicts (2 of 4 stars). 2 submissions from 2 submitters: Uncertain significance (2). Last evaluated 2021-06-11.

Conditions:
Hereditary cancer-predisposing syndrome. Also called: Hereditary Cancer Syndrome; Hereditary neoplastic syndrome; Neoplastic Syndromes, Hereditary; Tumor predisposition. Identifiers: Orphanet 140162, MedGen C0027672, MeSH D009386, MONDO:0015356.
Peutz-Jeghers syndrome (PJS). Also called: POLYPOSIS, HAMARTOMATOUS INTESTINAL; POLYPS-AND-SPOTS SYNDROME; Peutz-Jeghers polyposis; Periorificial lentiginosis syndrome. Identifiers: Orphanet 2869, MedGen C0031269, MeSH D010580, MONDO:0008280, OMIM 175200.

Submissions (2):

Labcorp Genetics (formerly Invitae), Labcorp
Classification: Uncertain significance for Peutz-Jeghers syndrome. Last evaluated: 2021-06-11. Review status: criteria provided, single submitter. Criteria: Invitae Variant Classification Sherloc (09022015). Collection method: clinical testing. Allele origin: germline.
Comment: This variant has not been reported in the literature in individuals with STK11-related conditions. ClinVar contains an entry for this variant (Variation ID: 919676). This variant is not present in population databases (ExAC no frequency). This sequence change falls in intron 7 of the STK11 gene. It does not directly change the encoded amino acid sequence of the STK11 protein. It affects a nucleotide within the consensus splice site of the intron. Nucleotide substitutions within the consensus splice site are a relatively common cause of aberrant splicing (PMID: 17576681, 9536098). Algorithms developed to predict the effect of sequence changes on RNA splicing suggest that this variant may disrupt the consensus splice site, but this prediction has not been confirmed by published transcriptional studies. In summary, the available evidence is currently insufficient to determine the role of this variant in disease. Therefore, it has been classified as a Variant of Uncertain Significance.

Color Diagnostics, LLC DBA Color Health
Classification: Uncertain significance for Hereditary cancer-predisposing syndrome. Last evaluated: 2019-04-13. Review status: criteria provided, single submitter. Criteria: ACMG Guidelines, 2015. Collection method: clinical testing. Allele origin: germline.

Literature cited by the submitters: PubMed 17576681 (cited by Labcorp Genetics (formerly Invitae), Labcorp); PubMed 9536098 (cited by Labcorp Genetics (formerly Invitae), Labcorp).

NM_000455.5(STK11):c.920+3G>T

Gene: STK11 (serine/threonine kinase 11; plus strand). Cytogenetic location: 19p13.3.
Variant type: single nucleotide variant.
Coding change: c.920+3G>T on transcript NM_000455.5 (MANE Select); 3 bases into the intron after coding-DNA position 920, G replaced by T.
Molecular consequence: intron variant.
Genome position (GRCh38, 1-based): chr19:1,222,009, G>T. VCF-style: chr19-1222009-G-T. GRCh37 (hg19) VCF-style: chr19-1222008-G-T.
Identifiers: ClinVar variation 919676 (VCV000919676.8), dbSNP rs2080788122, ClinGen allele CA913188988.